The following is an entry in ClinVar:

NM_032578.4(MYPN):c.3205C>A (p.Arg1069Ser)

Gene: MYPN (myopalladin; plus strand). Cytogenetic location: 10q21.3.
Variant type: single nucleotide variant.
Coding change: c.3205C>A on transcript NM_032578.4 (MANE Select); coding-DNA position 3205, C replaced by A.
Protein change: p.Arg1069Ser; replaces arginine 1069 with serine.
Molecular consequence: missense variant. On other transcripts: non-coding transcript variant (2).
Genome position (GRCh38, 1-based): chr10:68,197,398, C>A. VCF-style: chr10-68197398-C-A. GRCh37 (hg19) VCF-style: chr10-69957155-C-A.
Other names: c.3205C>A, p.Arg1069Ser (NM_001256267.2); c.2323C>A, p.Arg775Ser (NM_001256268.2); short protein forms R1069S, R775S.
Identifiers: ClinVar variation 544036 (VCV000544036.15), dbSNP rs368448794, ClinGen allele CA5522985.
Genomic context (GRCh38, chr10:68,197,398, plus strand): 5'-GCTTGTTGTTATAGGGGAAGATCCCGAGTGCAAGAAAGAGACAAAGAGCCCCTACAGGAA[C>A]GCTTTTTCCGACCACATTTCCTGCAGGCTCCTGGGGATATGGTAGCTCATGAGGGGCGCC-3'
Protein context (NP_115967.2, residues 1059-1079): QERDKEPLQE[Arg1069Ser]FFRPHFLQAP

ClinVar aggregate classification (germline): Conflicting classifications of pathogenicity. Review status: criteria provided, conflicting classifications (1 of 4 stars). 4 submissions from 4 submitters: Uncertain significance (3); Likely benign (1). Last evaluated 2025-10-01.

Conditions:
Cardiovascular phenotype. Identifiers: MedGen CN230736.
Dilated cardiomyopathy 1KK (CMD1KK). Identifiers: Orphanet 154, Orphanet 75249, MedGen C3714995, MONDO:0014100, OMIM 615248.

Allele frequency attached by ClinVar (database versions not stated): ESP Exome Variant Server 0.00008; TOPMed 0.00010.
gnomAD v4.1: 48 of 1,613,826 alleles (0.003%); highest among the groups gnomAD compares: Admixed American, 0.057%; no homozygotes.

Submissions (4):

GeneDx
Classification: Uncertain significance. Last evaluated: 2025-10-01. Review status: criteria provided, single submitter. Criteria: GeneDx Variant Classification Process June 2021. Collection method: clinical testing. Allele origin: germline.
Comment: In silico analysis supports that this missense variant has a deleterious effect on protein structure/function; Has not been previously published as pathogenic or benign to our knowledge

Ambry Genetics
Classification: Likely benign for Cardiovascular phenotype. Last evaluated: 2025-04-21. Review status: criteria provided, single submitter. Criteria: Ambry Variant Classification Scheme 2023. Collection method: clinical testing. Allele origin: germline.

Labcorp Genetics (formerly Invitae), Labcorp
Classification: Uncertain significance for Dilated cardiomyopathy 1KK. Last evaluated: 2022-08-09. Review status: criteria provided, single submitter. Criteria: Invitae Variant Classification Sherloc (09022015). Collection method: clinical testing. Allele origin: germline.
Comment: This sequence change replaces arginine, which is basic and polar, with serine, which is neutral and polar, at codon 1069 of the MYPN protein (p.Arg1069Ser). This variant is present in population databases (rs368448794, gnomAD 0.06%), including at least one homozygous and/or hemizygous individual. This variant has not been reported in the literature in individuals affected with MYPN-related conditions. ClinVar contains an entry for this variant (Variation ID: 544036). Algorithms developed to predict the effect of missense changes on protein structure and function are either unavailable or do not agree on the potential impact of this missense change (SIFT: "Deleterious"; PolyPhen-2: "Possibly Damaging"; Align-GVGD: "Class C15"). In summary, the available evidence is currently insufficient to determine the role of this variant in disease. Therefore, it has been classified as a Variant of Uncertain Significance.

Stanford Center for Inherited Cardiovascular Disease, Stanford University
Classification: Uncertain significance. Last evaluated: 2017-09-22. Review status: criteria provided, single submitter. Criteria: ACMG Guidelines, 2015. Collection method: provider interpretation. Allele origin: germline.